The following is an entry in ClinVar:

NM_001206927.2(DNAH8):c.11851A>G (p.Thr3951Ala)

Genes: DNAH8 (dynein axonemal heavy chain 8; plus strand), DNAH8-AS1 (DNAH8 antisense RNA 1; minus strand). Cytogenetic location: 6p21.2.
Variant type: single nucleotide variant.
Coding change: c.11851A>G on transcript NM_001206927.2 (MANE Select); coding-DNA position 11851, A replaced by G.
Protein change: p.Thr3951Ala; replaces threonine 3951 with alanine.
Molecular consequence: missense variant.
Genome position (GRCh38, 1-based): chr6:38,938,832, A>G. VCF-style: chr6-38938832-A-G. GRCh37 (hg19) VCF-style: chr6-38906608-A-G.
Other names: c.11200A>G, p.Thr3734Ala (NM_001371.4); short protein forms T3951A, T3734A.
Identifiers: ClinVar variation 575344 (VCV000575344.11), dbSNP rs140937135, ClinGen allele CA3791201.

ClinVar aggregate classification (germline): Uncertain significance. Review status: criteria provided, multiple submitters, no conflicts (2 of 4 stars). 2 submissions from 2 submitters: Uncertain significance (2). Last evaluated 2025-12-22.

Conditions:
Primary ciliary dyskinesia. Also called: Ciliary dyskinesia. Identifiers: Orphanet 244, MedGen C0008780, MONDO:0016575, HP:0012265.

Allele frequency attached by ClinVar (database versions not stated): gnomAD 0.00014 and 0.00015; gnomAD exomes 0.00015 and 0.00024; ExAC 0.00018; TOPMed 0.00021; ESP Exome Variant Server 0.00038.
gnomAD v4.1: 360 of 1,611,824 alleles (0.022%); highest among the groups gnomAD compares: Non-Finnish European, 0.03%; no homozygotes.

Submissions (2):

Labcorp Genetics (formerly Invitae), Labcorp
Classification: Uncertain significance for Primary ciliary dyskinesia. Last evaluated: 2025-12-22. Review status: criteria provided, single submitter. Criteria: Invitae Variant Classification Sherloc (09022015). Collection method: clinical testing. Allele origin: germline.
Comment: This sequence change replaces threonine, which is neutral and polar, with alanine, which is neutral and non-polar, at codon 3951 of the DNAH8 protein (p.Thr3951Ala). This variant is present in population databases (rs140937135, gnomAD 0.03%). This variant has not been reported in the literature in individuals affected with DNAH8-related conditions. ClinVar contains an entry for this variant (Variation ID: 575344). Experimental studies and prediction algorithms are not available or were not evaluated, and the functional significance of this variant is currently unknown. In summary, the available evidence is currently insufficient to determine the role of this variant in disease. Therefore, it has been classified as a Variant of Uncertain Significance.

Breakthrough Genomics
Classification: Uncertain significance. Review status: criteria provided, single submitter. Criteria: ACMG Guidelines, 2015. Collection method: not provided. Allele origin: germline. Inheritance: Autosomal recessive inheritance. Affected: yes.